The following is an entry in ClinVar:

ClinVar aggregate classification (germline): Uncertain significance (1 of 4 stars; one submission).

Conditions:
Hereditary spastic paraplegia 39 (SPG39). Also called: Spastic Paraplegia Type 39 (SPG39); SPASTIC PARAPLEGIA 39, AUTOSOMAL RECESSIVE. Identifiers: Orphanet 139480, MedGen C2677586, MONDO:0012787, OMIM 612020.

Allele frequency attached by ClinVar (database versions not stated): TOPMed below 0.00001; gnomAD 0.00001.
gnomAD v4.1: 1 of 1,608,162 alleles (0.000062%); highest among the groups gnomAD compares: Admixed American, 0.0017%; no homozygotes.

Submission:

Labcorp Genetics (formerly Invitae), Labcorp
Classification: Uncertain significance for Hereditary spastic paraplegia 39. Last evaluated: 2022-05-09. Review status: criteria provided, single submitter. Criteria: Invitae Variant Classification Sherloc (09022015). Collection method: clinical testing. Allele origin: germline.
Comment: In summary, the available evidence is currently insufficient to determine the role of this variant in disease. Therefore, it has been classified as a Variant of Uncertain Significance. Algorithms developed to predict the effect of missense changes on protein structure and function (SIFT, PolyPhen-2, Align-GVGD) all suggest that this variant is likely to be tolerated. This variant has not been reported in the literature in individuals affected with PNPLA6-related conditions. This variant is not present in population databases (gnomAD no frequency). This sequence change replaces threonine, which is neutral and polar, with asparagine, which is neutral and polar, at codon 361 of the PNPLA6 protein (p.Thr361Asn).

NM_001166114.2(PNPLA6):c.1199C>A (p.Thr400Asn)

Gene: PNPLA6 (patatin like domain 6, lysophospholipase; plus strand). Cytogenetic location: 19p13.2.
Variant type: single nucleotide variant.
Coding change: c.1199C>A on transcript NM_001166114.2 (MANE Select); coding-DNA position 1199, C replaced by A.
Protein change: p.Thr400Asn; replaces threonine 400 with asparagine.
Molecular consequence: missense variant.
Genome position (GRCh38, 1-based): chr19:7,542,014, C>A. VCF-style: chr19-7542014-C-A. GRCh37 (hg19) VCF-style: chr19-7606900-C-A.
Other names: c.1226C>A, p.Thr409Asn (NM_001166111.2); c.1082C>A, p.Thr361Asn (NM_001166112.2, NM_001166113.1, NM_006702.5); short protein forms T400N, T361N, T409N.
Identifiers: ClinVar variation 1905660 (VCV001905660.5), dbSNP rs1306432122, ClinGen allele CA403110414.